The following is an entry in ClinVar:

ClinVar aggregate classification (germline): Uncertain significance (1 of 4 stars; one submission).

Submission:

Labcorp Genetics (formerly Invitae), Labcorp
Classification: Uncertain significance. Last evaluated: 2023-03-02. Review status: criteria provided, single submitter. Criteria: Invitae Variant Classification Sherloc (09022015). Collection method: clinical testing. Allele origin: germline.
Comment: This sequence change replaces valine, which is neutral and non-polar, with leucine, which is neutral and non-polar, at codon 533 of the KMT2A protein (p.Val533Leu). This variant is not present in population databases (gnomAD no frequency). This variant has not been reported in the literature in individuals affected with KMT2A-related conditions. Advanced modeling of protein sequence and biophysical properties (such as structural, functional, and spatial information, amino acid conservation, physicochemical variation, residue mobility, and thermodynamic stability) performed at Invitae indicates that this missense variant is not expected to disrupt KMT2A protein function. In summary, the available evidence is currently insufficient to determine the role of this variant in disease. Therefore, it has been classified as a Variant of Uncertain Significance.

NM_001197104.2(KMT2A):c.1597G>C (p.Val533Leu)

Gene: KMT2A (lysine methyltransferase 2A; plus strand). Cytogenetic location: 11q23.3.
Variant type: single nucleotide variant.
Coding change: c.1597G>C on transcript NM_001197104.2 (MANE Select); coding-DNA position 1597, G replaced by C.
Protein change: p.Val533Leu; replaces valine 533 with leucine.
Molecular consequence: missense variant.
Genome position (GRCh38, 1-based): chr11:118,472,756, G>C. VCF-style: chr11-118472756-G-C. GRCh37 (hg19) VCF-style: chr11-118343471-G-C.
Other names: c.1696G>C, p.Val566Leu (NM_001412597.1); c.1597G>C, p.Val533Leu (NM_005933.4); short protein forms V566L, V533L.
Identifiers: ClinVar variation 2871032 (VCV002871032.3), dbSNP rs2134262974, ClinGen allele CA382810455.